The following is an entry in ClinVar:

ClinVar aggregate classification (germline): Likely benign. Review status: criteria provided, single submitter (1 of 4 stars). 2 submissions from 2 submitters: Likely benign (1). 1 of the submissions does not count toward it. Last evaluated 2025-07-07.

Conditions:
NOTCH3-related disorder. Also called: NOTCH3-related disorders; NOTCH3-related condition.

Allele frequency attached by ClinVar (database versions not stated): ExAC 0.00001.
gnomAD v4.1: 4 of 1,614,218 alleles (0.00025%); highest among the groups gnomAD compares: Non-Finnish European, 0.00034%; no homozygotes.

Submissions (2):

Women's Health and Genetics/Laboratory Corporation of America, LabCorp
Classification: Likely benign. Last evaluated: 2025-07-07. Review status: criteria provided, single submitter. Criteria: LabCorp Variant Classification Summary - May 2015. Collection method: clinical testing. Allele origin: germline.

PreventionGenetics, part of Exact Sciences
Classification: Likely benign for NOTCH3-related condition. Last evaluated: 2022-05-12. Review status: no assertion criteria provided. Collection method: clinical testing. Allele origin: germline. Not counted in ClinVar's aggregate classification.
Comment: This variant is classified as likely benign based on ACMG/AMP sequence variant interpretation guidelines (Richards et al. 2015 PMID: 25741868, with internal and published modifications).

NM_000435.3(NOTCH3):c.6894C>T (p.Ser2298=)

Gene: NOTCH3 (notch receptor 3; minus strand). Cytogenetic location: 19p13.12.
Variant type: single nucleotide variant.
Coding change: c.6894C>T on transcript NM_000435.3 (MANE Select); coding-DNA position 6894, C replaced by T.
Protein change: p.Ser2298=; no amino-acid change (serine 2298 retained).
Molecular consequence: synonymous variant.
Genome position (GRCh38, 1-based): chr19:15,160,734, G>A on the plus strand (C>T on the coding strand, the complement: NOTCH3 is on the minus strand). VCF-style: chr19-15160734-G-A. GRCh37 (hg19) VCF-style: chr19-15271545-G-A.
Identifiers: ClinVar variation 3045596 (VCV003045596.4), dbSNP rs758304248, ClinGen allele CA9262278.